The following is an entry in ClinVar:

NM_000018.4(ACADVL):c.342+1G>C

Gene: ACADVL (acyl-CoA dehydrogenase very long chain; plus strand). Cytogenetic location: 17p13.1.
Variant type: single nucleotide variant.
Coding change: c.342+1G>C on transcript NM_000018.4 (MANE Select); the canonical splice donor site of the intron after coding-DNA position 342, G replaced by C.
Molecular consequence: splice donor variant.
Genome position (GRCh38, 1-based): chr17:7,220,831, G>C. VCF-style: chr17-7220831-G-C. GRCh37 (hg19) VCF-style: chr17-7124150-G-C.
Other names: c.411+1G>C (NM_001270447.2); c.114+1G>C (NM_001270448.2); c.276+1G>C (NM_001033859.3).
Identifiers: ClinVar variation 474896 (VCV000474896.15), dbSNP rs780020193, ClinGen allele CA397722627.

ClinVar aggregate classification (germline): Pathogenic. Review status: reviewed by expert panel (3 of 4 stars). 4 submissions from 4 submitters: Pathogenic (1). 3 of the submissions do not count toward it. Last evaluated 2022-02-07.

Conditions:
Very long chain acyl-CoA dehydrogenase deficiency (ACADVLD). Also called: VLCAD Deficiency; Very Long-Chain Acyl-Coenzyme A Dehydrogenase Deficiency. Identifiers: Orphanet 26793, MedGen C3887523, MONDO:0008723, OMIM 201475.

Allele frequency attached by ClinVar (database versions not stated): gnomAD exomes below 0.00001; TOPMed 0.00001.

Submissions (4):

ClinGen ACADVL Variant Curation Expert Panel, ClinGen
Classification: Pathogenic for Very long chain acyl-CoA dehydrogenase deficiency. Last evaluated: 2022-02-07. Review status: reviewed by expert panel. Criteria: clingen acadvl acmg specifications v1. Collection method: curation. Allele origin: germline. Inheritance: Autosomal recessive inheritance.
Comment: The c.342+1G>C variant in ACADVL occurs within the canonical splice donor site of intron 5. It is predicted to cause skipping of biologically-relevant-exon 5, resulting in a frameshift leading to nonsense mediated decay in a gene in which loss-of-function is an established disease mechanism (PVS1). This variant is absent from gnomAD v2.1.1 (PM2_Moderate). This variant is reported in at least one patient with severe hypoglycemia and postmortem C14:1 measurement of 1.35uM (PP4, PMID: 20107901). In addition, this patient carried the p.Val283Ala mutation. In summary, this variant meets the criteria to be classified as pathogenic for autosomal recessive very long chain acyl-CoA dehydrogenase (VLCAD) deficiency based on the ACMG/AMP criteria applied, as specified by the ClinGen ACADVL Variant Curation Expert Panel: PVS1, PM2_supporting, PP4_Moderate).

Labcorp Genetics (formerly Invitae), Labcorp
Classification: Pathogenic for Very long chain acyl-CoA dehydrogenase deficiency. Last evaluated: 2024-10-10. Review status: criteria provided, single submitter. Criteria: Invitae Variant Classification Sherloc (09022015). Collection method: clinical testing. Allele origin: germline. Not counted in ClinVar's aggregate classification.
Comment: This sequence change affects a donor splice site in intron 5 of the ACADVL gene. It is expected to disrupt RNA splicing. Variants that disrupt the donor or acceptor splice site typically lead to a loss of protein function (PMID: 16199547), and loss-of-function variants in ACADVL are known to be pathogenic (PMID: 9973285, 11590124). This variant is not present in population databases (gnomAD no frequency). Disruption of this splice site has been observed in individual(s) with very long chain acyl-CoA dehydrogenase deficiency (PMID: 20107901). In at least one individual the data is consistent with being in trans (on the opposite chromosome) from a pathogenic variant. ClinVar contains an entry for this variant (Variation ID: 474896). Algorithms developed to predict the effect of sequence changes on RNA splicing suggest that this variant may disrupt the consensus splice site. For these reasons, this variant has been classified as Pathogenic.

Natera, Inc.
Classification: Pathogenic for Very long chain acyl-CoA dehydrogenase deficiency. Last evaluated: 2024-04-22. Review status: criteria provided, single submitter. Criteria: Natera Variant Classification Schema (03/2026). Collection method: clinical testing. Allele origin: germline. Not counted in ClinVar's aggregate classification.
Comment: The c.342+1G>C variant in ACADVL is a canonical splice donor site variant predicted to affect pre-mRNA splicing, which may result in an abnormal transcript and altered protein product. This variant is expected to result in nonsense mediated decay, truncation, or a dysfunctional protein product. This variant is rare in the general population with a frequency below the threshold expected for the associated phenotype(s). This variant has been observed in one or more individuals affected with the associated recessive disease, as either homozygous or compound heterozygous with a second variant (PMID: 20107901). Given the available evidence, this variant is classified as Pathogenic.

Wong Mito Lab, Molecular and Human Genetics, Baylor College of Medicine
Classification: Pathogenic for Very long chain acyl-CoA dehydrogenase deficiency. Last evaluated: 2019-11-01. Review status: criteria provided, single submitter. Criteria: ACMG Guidelines, 2015. Collection method: clinical testing. Allele origin: germline. Not counted in ClinVar's aggregate classification.
Comment: The NM_000018.3:c.342+1G>C (NP_000009.1:p.?) [GRCH38: NC_000017.11:g.7220831G>C] variant in ACADVL gene is interpretated to be Pathogenic based on ACMG guidelines (PMID: 25741868). This variant has been reported in PMID: 20107901. This variant meets the following evidence codes reported in the ACMG guidelines: PVS1, PS3

Literature cited by the submitters: PubMed 16199547 (cited by Labcorp Genetics (formerly Invitae), Labcorp); PubMed 9973285 (cited by Labcorp Genetics (formerly Invitae), Labcorp); PubMed 11590124 (cited by Labcorp Genetics (formerly Invitae), Labcorp); PubMed 20107901 (cited by 3 submitters).